The following is an entry in ClinVar:

NM_014714.4(IFT140):c.4058C>G (p.Pro1353Arg)

Gene: IFT140 (intraflagellar transport 140; minus strand). Cytogenetic location: 16p13.3.
Variant type: single nucleotide variant.
Coding change: c.4058C>G on transcript NM_014714.4 (MANE Select); coding-DNA position 4058, C replaced by G.
Protein change: p.Pro1353Arg; replaces proline 1353 with arginine.
Molecular consequence: missense variant.
Genome position (GRCh38, 1-based): chr16:1,518,340, G>C on the plus strand (C>G on the coding strand, the complement: IFT140 is on the minus strand). VCF-style: chr16-1518340-G-C. GRCh37 (hg19) VCF-style: chr16-1568341-G-C.
Other names: short protein forms P1353R.
Identifiers: ClinVar variation 1408188 (VCV001408188.9), dbSNP rs146666187, ClinGen allele CA7812909.
Genomic context (GRCh38, chr16:1,518,340, plus strand): 5'-ATGGTGCTGTCCAGGTCTGGTTCCTCCAGGAGCAGCTCACACTGCTTGATGGACTCCTTG[G>C]GGTCCTCTGTGTACGTCCTGCCGAGAGCAGAGATGAGGCCTGGGCCCCGAAGCCCTGAAC-3'
Protein context (NP_055529.2, residues 1343-1363): IQARRTYTED[Pro1353Arg]KESIKQCELL

ClinVar aggregate classification (germline): Uncertain significance. Review status: criteria provided, multiple submitters, no conflicts (2 of 4 stars). 2 submissions from 2 submitters: Uncertain significance (2). Last evaluated 2023-05-05.

Conditions:
Saldino-Mainzer syndrome (SRTD9). Also called: Renal dysplasia, retinal pigmentary dystrophy, cerebellar ataxia and skeletal dysplasia; CONORENAL SYNDROME; SHORT-RIB THORACIC DYSPLASIA 9 WITHOUT POLYDACTYLY; short-rib thoracic dysplasia 9 with or without polydactyly. Identifiers: Orphanet 140969, MedGen C1849437, MONDO:0009964, OMIM 266920.

Allele frequency attached by ClinVar (database versions not stated): gnomAD 0.00001.
gnomAD v4.1: 8 of 1,613,968 alleles (0.0005%); highest among the groups gnomAD compares: Middle Eastern, 0.033%; no homozygotes.

Submissions (2):

Blueprint Genetics
Classification: Uncertain significance. Last evaluated: 2023-05-05. Review status: criteria provided, single submitter. Criteria: ACMG Guidelines, 2015. Collection method: clinical testing. Allele origin: germline.

Labcorp Genetics (formerly Invitae), Labcorp
Classification: Uncertain significance for Saldino-Mainzer syndrome. Last evaluated: 2021-03-03. Review status: criteria provided, single submitter. Criteria: Invitae Variant Classification Sherloc (09022015). Collection method: clinical testing. Allele origin: germline.
Comment: In summary, the available evidence is currently insufficient to determine the role of this variant in disease. Therefore, it has been classified as a Variant of Uncertain Significance. Algorithms developed to predict the effect of missense changes on protein structure and function are either unavailable or do not agree on the potential impact of this missense change (SIFT: "Tolerated"; PolyPhen-2: "Possibly Damaging"; Align-GVGD: "Class C0"). This variant has been observed in individual(s) with Jeune asphyxiating thoracic dystrophy (PMID: 23418020, 24183451). This variant is present in population databases (rs146666187, ExAC 0.006%). This sequence change replaces proline with arginine at codon 1353 of the IFT140 protein (p.Pro1353Arg). The proline residue is weakly conserved and there is a moderate physicochemical difference between proline and arginine.

Literature cited by the submitters: PubMed 23418020 (cited by Labcorp Genetics (formerly Invitae), Labcorp); PubMed 24183451 (cited by Labcorp Genetics (formerly Invitae), Labcorp).